The following is an entry in ClinVar:

NM_002485.5(NBN):c.317T>A (p.Phe106Tyr)

Gene: NBN (nibrin; minus strand). Cytogenetic location: 8q21.3.
Variant type: single nucleotide variant.
Coding change: c.317T>A on transcript NM_002485.5 (MANE Select); coding-DNA position 317, T replaced by A.
Protein change: p.Phe106Tyr; replaces phenylalanine 106 with tyrosine.
Molecular consequence: missense variant.
Genome position (GRCh38, 1-based): chr8:89,981,378, A>T on the plus strand (T>A on the coding strand, the complement: NBN is on the minus strand). VCF-style: chr8-89981378-A-T. GRCh37 (hg19) VCF-style: chr8-90993606-A-T.
Other names: c.71T>A, p.Phe24Tyr (NM_001024688.3); short protein forms F106Y, F24Y.
Identifiers: ClinVar variation 1728531 (VCV001728531.2), dbSNP rs2488359855, ClinGen allele CA371662261.

ClinVar aggregate classification (germline): Uncertain significance (1 of 4 stars; one submission).

Conditions:
Hereditary cancer-predisposing syndrome. Also called: Tumor predisposition; Neoplastic Syndromes, Hereditary; Hereditary Cancer Syndrome; Hereditary neoplastic syndrome. Identifiers: Orphanet 140162, MedGen C0027672, MeSH D009386, MONDO:0015356.

Submission:

Ambry Genetics
Classification: Uncertain significance for Hereditary cancer-predisposing syndrome. Last evaluated: 2020-01-29. Review status: criteria provided, single submitter. Criteria: Ambry Variant Classification Scheme 2023. Collection method: clinical testing. Allele origin: germline.
Comment: The p.F106Y variant (also known as c.317T>A), located in coding exon 3 of the NBN gene, results from a T to A substitution at nucleotide position 317. The phenylalanine at codon 106 is replaced by tyrosine, an amino acid with highly similar properties. This amino acid position is well conserved in available vertebrate species. In addition, this alteration is predicted to be tolerated by in silico analysis. Since supporting evidence is limited at this time, the clinical significance of this alteration remains unclear.